The following is an entry in ClinVar:

NM_006922.4(SCN3A):c.2089G>A (p.Glu697Lys)

Gene: SCN3A (sodium voltage-gated channel alpha subunit 3; minus strand). Cytogenetic location: 2q24.3.
Variant type: single nucleotide variant.
Coding change: c.2089G>A on transcript NM_006922.4 (MANE Select); coding-DNA position 2089, G replaced by A.
Protein change: p.Glu697Lys; replaces glutamic acid 697 with lysine.
Molecular consequence: missense variant.
Genome position (GRCh38, 1-based): chr2:165,139,539, C>T on the plus strand (G>A on the coding strand, the complement: SCN3A is on the minus strand). VCF-style: chr2-165139539-C-T. GRCh37 (hg19) VCF-style: chr2-165996049-C-T.
Other names: c.1942G>A, p.Glu648Lys (NM_001081676.2, NM_001081677.2); short protein forms E648K, E697K.
Identifiers: ClinVar variation 1499248 (VCV001499248.8), dbSNP rs1553527486, ClinGen allele CA349045662.

ClinVar aggregate classification (germline): Uncertain significance (1 of 4 stars; one submission).

Submission:

Labcorp Genetics (formerly Invitae), Labcorp
Classification: Uncertain significance. Last evaluated: 2022-08-16. Review status: criteria provided, single submitter. Criteria: Invitae Variant Classification Sherloc (09022015). Collection method: clinical testing. Allele origin: germline.
Comment: In summary, the available evidence is currently insufficient to determine the role of this variant in disease. Therefore, it has been classified as a Variant of Uncertain Significance. Algorithms developed to predict the effect of missense changes on protein structure and function are either unavailable or do not agree on the potential impact of this missense change (SIFT: "Tolerated"; PolyPhen-2: "Possibly Damaging"; Align-GVGD: "Class C0"). ClinVar contains an entry for this variant (Variation ID: 1499248). This variant has not been reported in the literature in individuals affected with SCN3A-related conditions. This variant is not present in population databases (gnomAD no frequency). This sequence change replaces glutamic acid, which is acidic and polar, with lysine, which is basic and polar, at codon 697 of the SCN3A protein (p.Glu697Lys).